The following is an entry in ClinVar:

ClinVar aggregate classification (germline): Likely pathogenic (1 of 4 stars; one submission).

Conditions:
Long QT syndrome 2 (LQT2). Identifiers: Orphanet 101016, Orphanet 768, MedGen C3150943, MONDO:0013367, OMIM 613688.

Submission:

Molecular Genetics Laboratory, Motol Hospital
Classification: Likely pathogenic for Long QT syndrome 2. Last evaluated: 2025-01-08. Review status: criteria provided, single submitter. Criteria: ACMG Guidelines, 2015. Collection method: clinical testing. Allele origin: germline. Affected: yes. Observed: 1 variant allele.
Comment: missense variant located in a mutational hotspot (PM1), missense mutation is a common mechanism of a disease (PP2), computational prediction tools unanimously support a deleterious effect on the gene (PP3), rare variant not present in general population in gnomAD v4.1.0 (PM2); ACMG PM1, PP2, PP3, PM2

NM_000238.4(KCNH2):c.176T>C (p.Val59Ala)

Gene: KCNH2 (potassium voltage-gated channel subfamily H member 2; minus strand). Cytogenetic location: 7q36.1.
Variant type: single nucleotide variant.
Coding change: c.176T>C on transcript NM_000238.4 (MANE Select); coding-DNA position 176, T replaced by C.
Protein change: p.Val59Ala; replaces valine 59 with alanine.
Molecular consequence: missense variant. On other transcripts: 5 prime UTR variant (1), non-coding transcript variant (1).
Genome position (GRCh38, 1-based): chr7:150,974,842, A>G on the plus strand (T>C on the coding strand, the complement: KCNH2 is on the minus strand). VCF-style: chr7-150974842-A-G. GRCh37 (hg19) VCF-style: chr7-150671930-A-G.
Other names: c.-2T>C (NM_001406755.1); c.176T>C, p.Val59Ala (NM_172056.3); short protein forms V59A.
Identifiers: ClinVar variation 3544416 (VCV003544416.2).